The following is an entry in ClinVar:

ClinVar aggregate classification (germline): Uncertain significance (1 of 4 stars; one submission).

Conditions:
Hereditary spastic paraplegia 50 (SPG50). Also called: Spastic paraplegia 50, autosomal recessive. Identifiers: Orphanet 280763, MedGen C2752008, MONDO:0013048, OMIM 612936.

gnomAD v4.1: 1 of 1,614,122 alleles (0.000062%); highest among the groups gnomAD compares: Admixed American, 0.0017%; no homozygotes.

Submission:

Labcorp Genetics (formerly Invitae), Labcorp
Classification: Uncertain significance for Hereditary spastic paraplegia 50. Last evaluated: 2022-07-27. Review status: criteria provided, single submitter. Criteria: Invitae Variant Classification Sherloc (09022015). Collection method: clinical testing. Allele origin: germline.
Comment: This sequence change replaces leucine, which is neutral and non-polar, with valine, which is neutral and non-polar, at codon 97 of the AP4M1 protein (p.Leu97Val). This variant is present in population databases (rs376025594, gnomAD 0.006%). This variant has not been reported in the literature in individuals affected with AP4M1-related conditions. Algorithms developed to predict the effect of missense changes on protein structure and function (SIFT, PolyPhen-2, Align-GVGD) all suggest that this variant is likely to be tolerated. In summary, the available evidence is currently insufficient to determine the role of this variant in disease. Therefore, it has been classified as a Variant of Uncertain Significance.

NM_004722.4(AP4M1):c.289C>G (p.Leu97Val)

Gene: AP4M1 (adaptor related protein complex 4 subunit mu 1; plus strand). Cytogenetic location: 7q22.1.
Variant type: single nucleotide variant.
Coding change: c.289C>G on transcript NM_004722.4 (MANE Select); coding-DNA position 289, C replaced by G.
Protein change: p.Leu97Val; replaces leucine 97 with valine.
Molecular consequence: missense variant.
Genome position (GRCh38, 1-based): chr7:100,102,898, C>G. VCF-style: chr7-100102898-C-G. GRCh37 (hg19) VCF-style: chr7-99700521-C-G.
Other names: c.310C>G, p.Leu104Val (NM_001363671.2); short protein forms L97V, L104V.
Identifiers: ClinVar variation 2052980 (VCV002052980.1), dbSNP rs376025594, ClinGen allele CA4374555.